The following is an entry in ClinVar:

ClinVar aggregate classification (germline): Uncertain significance (1 of 4 stars; one submission).

Conditions:
Ataxia-telangiectasia syndrome (AT). Also called: ATAXIA-TELANGIECTASIA, COMPLEMENTATION GROUP A; ATAXIA-TELANGIECTASIA, FRESNO VARIANT; Ataxia-telangiectasia; Ataxia-telangiectasia, complementation group D; AT, COMPLEMENTATION GROUP C; Ataxia-telangiectasia, complementation group E. Identifiers: Orphanet 100, MedGen C0004135, MONDO:0008840, OMIM 208900.

Submission:

Labcorp Genetics (formerly Invitae), Labcorp
Classification: Uncertain significance for Ataxia-telangiectasia syndrome. Last evaluated: 2020-07-30. Review status: criteria provided, single submitter. Criteria: Invitae Variant Classification Sherloc (09022015). Collection method: clinical testing. Allele origin: germline.
Comment: This variant, c.5028_5036delAGAAGTGGG, results in the deletion of 3 amino acids of the ATM protein (p.Glu1677_Gly1679del), but otherwise preserves the integrity of the reading frame. This variant is not present in population databases (ExAC no frequency). This variant has not been reported in the literature in individuals with ATM-related disease. Experimental studies and prediction algorithms are not available for this variant, and the functional significance of the deleted amino acids is currently unknown. In summary, the available evidence is currently insufficient to determine the role of this variant in disease. Therefore, it has been classified as a Variant of Uncertain Significance.

NM_000051.4(ATM):c.5028_5036del (p.Glu1677_Gly1679del)

Gene: ATM (ATM serine/threonine kinase; plus strand). Cytogenetic location: 11q22.3.
Variant type: Deletion.
Coding change: c.5028_5036del on transcript NM_000051.4 (MANE Select); coding-DNA positions 5028 to 5036, 9 bases deleted (AGAAGTGGG; older notation c.5028_5036delAGAAGTGGG).
Protein change: p.Glu1677_Gly1679del.
Molecular consequence: inframe deletion.
Genome position (GRCh38, 1-based): chr11:108,299,736-108,299,744, AGAAGTGGG deleted; deleting any 9 consecutive bases within chr11:108,299,732-108,299,744 gives the same sequence; the c. name uses the placement nearest the transcript's 3' end. VCF-style (leftmost placement, unchanged base first): chr11-108299731-TTGGGAGAAG-T. GRCh37 (hg19) VCF-style: chr11-108170458-TTGGGAGAAG-T.
Other names: c.5028_5036delAGAAGTGGG (NM_000051.3); c.5028_5036del, p.Glu1677_Gly1679del (NM_001351834.2).
Identifiers: ClinVar variation 524255 (VCV000524255.7), dbSNP rs1555104529, ClinGen allele CA658797734.
Genomic context (GRCh38, chr11:108,299,731, plus strand): 5'-TCTCTTACCTATGACTCTACTGAAATAGAATTTCTATATGTAGAGGCTGTTGGAAGCTGC[TTGGGAGAAG>T]TGGGTCCTATAGATTTCTCTACCATAGCTATACAACATAGTAAAGATGCATCTTATACCA-3'